The following is an entry in ClinVar:

NM_003482.4(KMT2D):c.14961G>A (p.Trp4987Ter)

Gene: KMT2D (lysine methyltransferase 2D; minus strand). Cytogenetic location: 12q13.12.
Variant type: single nucleotide variant.
Coding change: c.14961G>A on transcript NM_003482.4 (MANE Select); coding-DNA position 14961, G replaced by A.
Protein change: p.Trp4987Ter; replaces tryptophan 4987 with a stop codon.
Molecular consequence: nonsense.
Genome position (GRCh38, 1-based): chr12:49,027,005, C>T on the plus strand (G>A on the coding strand, the complement: KMT2D is on the minus strand). VCF-style: chr12-49027005-C-T. GRCh37 (hg19) VCF-style: chr12-49420788-C-T.
Other names: short protein forms W4987*.
Identifiers: ClinVar variation 3377212 (VCV003377212.1).

ClinVar aggregate classification (germline): Pathogenic (1 of 4 stars; one submission).

Conditions:
Kabuki syndrome 1 (KABUK1). Also called: KMT2D-Related Kabuki Syndrome. Identifiers: Orphanet 2322, MedGen CN030661, MONDO:0007843, OMIM 147920.

Submission:

Victorian Clinical Genetics Services, Murdoch Childrens Research Institute
Classification: Pathogenic for Kabuki syndrome 1. Last evaluated: 2024-10-09. Review status: criteria provided, single submitter. Criteria: ACMG Guidelines, 2015. Collection method: clinical testing. Allele origin: germline. Inheritance: Autosomal dominant inheritance. Affected: yes.
Comment: Based on the classification scheme VCGS_Germline_v1.3.4, this variant is classified as Pathogenic. Following criteria are met: 0102 - Loss of function is a known mechanism of disease in this gene and is associated with Kabuki syndrome 1 (MIM#147920). (I) 0107 - This gene is associated with autosomal dominant disease. (I) 0115 - Variants in this gene are known to have variable expressivity (PMID: 21882399). (I) 0201 - Variant is predicted to cause nonsense-mediated decay (NMD) and loss of protein (premature termination codon is located at least 54 nucleotides upstream of the final exon-exon junction). (SP) 0251 - This variant is heterozygous. (I) 0301 - Variant is absent from gnomAD (both v2 and v3). (SP) 0701 - Other NMD predicted variants comparable to the one identified in this case have very strong previous evidence for pathogenicity (DECIPHER). (SP) 0807 - This variant has no previous evidence of pathogenicity. (I) 0905 - No published segregation evidence has been identified for this variant. (I) 1007 - No published functional evidence has been identified for this variant. (I) 1208 - Inheritance information for this variant is not currently available in this individual. (I) Legend: (SP) - Supporting pathogenic, (I) - Information, (SB) - Supporting benign

Literature cited by the submitters: PubMed 21882399.